The following is an entry in ClinVar:

ClinVar aggregate classification (germline): Uncertain significance. Review status: criteria provided, multiple submitters, no conflicts (2 of 4 stars). 2 submissions from 2 submitters: Uncertain significance (2). Last evaluated 2024-03-07.

Allele frequency attached by ClinVar (database versions not stated): gnomAD exomes below 0.00001.

Submissions (2):

Labcorp Genetics (formerly Invitae), Labcorp
Classification: Uncertain significance. Last evaluated: 2024-03-07. Review status: criteria provided, single submitter. Criteria: Invitae Variant Classification Sherloc (09022015). Collection method: clinical testing. Allele origin: germline.
Comment: This sequence change replaces alanine, which is neutral and non-polar, with valine, which is neutral and non-polar, at codon 534 of the THBD protein (p.Ala534Val). This variant is present in population databases (rs540720855, gnomAD 0.007%). This variant has not been reported in the literature in individuals affected with THBD-related conditions. Advanced modeling of protein sequence and biophysical properties (such as structural, functional, and spatial information, amino acid conservation, physicochemical variation, residue mobility, and thermodynamic stability) performed at Invitae indicates that this missense variant is not expected to disrupt THBD protein function with a negative predictive value of 80%. In summary, the available evidence is currently insufficient to determine the role of this variant in disease. Therefore, it has been classified as a Variant of Uncertain Significance.

Mayo Clinic Laboratories, Mayo Clinic
Classification: Uncertain significance. Last evaluated: 2023-03-14. Review status: criteria provided, single submitter. Criteria: ACMG Guidelines, 2015. Collection method: clinical testing. Allele origin: germline. Observed: 1 variant allele.

NM_000361.3(THBD):c.1601C>T (p.Ala534Val)

Gene: THBD (thrombomodulin; minus strand). Cytogenetic location: 20p11.21.
Variant type: single nucleotide variant.
Coding change: c.1601C>T on transcript NM_000361.3 (MANE Select); coding-DNA position 1601, C replaced by T.
Protein change: p.Ala534Val; replaces alanine 534 with valine.
Molecular consequence: missense variant.
Genome position (GRCh38, 1-based): chr20:23,047,904, G>A on the plus strand (C>T on the coding strand, the complement: THBD is on the minus strand). VCF-style: chr20-23047904-G-A. GRCh37 (hg19) VCF-style: chr20-23028541-G-A.
Other names: p.Ala534Val; short protein forms A534V.
Identifiers: ClinVar variation 2683532 (VCV002683532.3), dbSNP rs540720855, ClinGen allele CA313550345.